The following is an entry in ClinVar:

NM_001110556.2(FLNA):c.5952G>A (p.Thr1984=)

Gene: FLNA (filamin A; minus strand). Cytogenetic location: Xq28.
Variant type: single nucleotide variant.
Coding change: c.5952G>A on transcript NM_001110556.2 (MANE Select); coding-DNA position 5952, G replaced by A.
Protein change: p.Thr1984=; no amino-acid change (threonine 1984 retained).
Molecular consequence: synonymous variant.
Genome position (GRCh38, 1-based): chrX:154,353,366, C>T on the plus strand (G>A on the coding strand, the complement: FLNA is on the minus strand). VCF-style: chrX-154353366-C-T. GRCh37 (hg19) VCF-style: chrX-153581734-C-T.
Other names: c.5952G>A (NM_001110556.1); c.5928G>A, p.Thr1976= (NM_001456.4).
Identifiers: ClinVar variation 533590 (VCV000533590.25), dbSNP rs782618234, ClinGen allele CA10560198.

ClinVar aggregate classification (germline): Likely benign. Review status: criteria provided, multiple submitters, no conflicts (2 of 4 stars). 5 submissions from 5 submitters: Likely benign (4). 1 of the submissions does not count toward it. Last evaluated 2026-03-01.

Conditions:
Familial thoracic aortic aneurysm and aortic dissection (TAAD). Also called: Thoracic aortic aneurysms and dissections. Identifiers: Orphanet 91387, MedGen C4707243, MONDO:0019625.
FLNA-related disorder.
Melnick-Needles syndrome (MNS). Also called: OSTEODYSPLASTY OF MELNICK AND NEEDLES; Melnick-Needles Syndrome (FLNA-MNS); MELNICK-NEEDLES OSTEODYSPLASTY. Identifiers: Orphanet 2484, MedGen C0025237, MONDO:0010650, OMIM 309350.
Heterotopia, periventricular, X-linked dominant (PVNH1). Also called: PERIVENTRICULAR NODULAR HETEROTOPIA 1; X-linked periventricular heterotopia; PERIVENTRICULAR NODULAR HETEROTOPIA 4; HETEROTOPIA, PERIVENTRICULAR, 1. Identifiers: Orphanet 2149, Orphanet 82004, MedGen C1848213, MONDO:0010233, OMIM 300049.
Oto-palato-digital syndrome, type II (OPD2). Also called: FACIOPALATOOSSEOUS SYNDROME; OPD II SYNDROME; Otopalatodigital Syndrome, Type II; Otopalatodigital Syndrome Type 2 (FLNA-OPD2). Identifiers: Orphanet 669, Orphanet 90652, MedGen C1844696, MONDO:0010571, OMIM 304120.
Frontometaphyseal dysplasia (FMD1). Identifiers: Orphanet 1826, MedGen C0265293, MONDO:0015942.

Allele frequency attached by ClinVar (database versions not stated): ExAC 0.00001; gnomAD 0.00001 and 0.00002; gnomAD exomes 0.00001; 1000 Genomes Project 0.00026; 1000 Genomes Project 30x 0.00042.
gnomAD v4.1: 10 of 1,210,573 alleles (0.00083%); highest among the groups gnomAD compares: Admixed American, 0.0087%; no homozygotes.

Submissions (5):

CeGaT Center for Human Genetics Tuebingen
Classification: Likely benign. Last evaluated: 2026-03-01. Review status: criteria provided, single submitter. Criteria: CeGaT Center For Human Genetics Tuebingen Variant Classification Criteria Version 2. Collection method: clinical testing. Allele origin: germline. Affected: yes. Observed: 2 variant alleles.
Comment: FLNA: BP4, BP7

Labcorp Genetics (formerly Invitae), Labcorp
Classification: Likely benign for Oto-palato-digital syndrome, type II; Heterotopia, periventricular, X-linked dominant; Frontometaphyseal dysplasia; Melnick-Needles syndrome. Last evaluated: 2026-01-26. Review status: criteria provided, single submitter. Criteria: Invitae Variant Classification Sherloc (09022015). Collection method: clinical testing. Allele origin: germline.

Blueprint Genetics
Classification: Likely benign. Last evaluated: 2024-08-22. Review status: criteria provided, single submitter. Criteria: ACMG Guidelines, 2015. Collection method: clinical testing. Allele origin: germline.

Ambry Genetics
Classification: Likely benign for Familial thoracic aortic aneurysm and aortic dissection. Last evaluated: 2017-01-10. Review status: criteria provided, single submitter. Criteria: Ambry Variant Classification Scheme 2023. Collection method: clinical testing. Allele origin: germline.

PreventionGenetics, part of Exact Sciences
Classification: Likely benign for FLNA-related condition. Last evaluated: 2023-06-23. Review status: no assertion criteria provided. Collection method: clinical testing. Allele origin: germline. Not counted in ClinVar's aggregate classification.
Comment: This variant is classified as likely benign based on ACMG/AMP sequence variant interpretation guidelines (Richards et al. 2015 PMID: 25741868, with internal and published modifications).